The following is an entry in ClinVar:

NM_006306.4(SMC1A):c.3534G>C (p.Ser1178=)

Gene: SMC1A (structural maintenance of chromosomes 1A; minus strand). Cytogenetic location: Xp11.22.
Variant type: single nucleotide variant.
Coding change: c.3534G>C on transcript NM_006306.4 (MANE Select); coding-DNA position 3534, G replaced by C.
Protein change: p.Ser1178=; no amino-acid change (serine 1178 retained).
Molecular consequence: synonymous variant.
Genome position (GRCh38, 1-based): chrX:53,380,704, C>G on the plus strand (G>C on the coding strand, the complement: SMC1A is on the minus strand). VCF-style: chrX-53380704-C-G. GRCh37 (hg19) VCF-style: chrX-53407625-C-G.
Other names: c.3468G>C, p.Ser1156= (NM_001281463.1).
Identifiers: ClinVar variation 915105 (VCV000915105.37), dbSNP rs782763816, ClinGen allele CA10420265.

ClinVar aggregate classification (germline): Conflicting classifications of pathogenicity. Review status: criteria provided, conflicting classifications (1 of 4 stars). 4 submissions from 4 submitters: Uncertain significance (1); Likely benign (3). Last evaluated 2026-09-01.

Conditions:
Inborn genetic diseases. Identifiers: MedGen C0950123, MeSH D030342.
Congenital muscular hypertrophy-cerebral syndrome (CDLS2). Also called: SMC1A-Related Cornelia de Lange Syndrome; Cornelia de Lange syndrome 2. Identifiers: Orphanet 199, MedGen C1802395, MONDO:0010370, OMIM 300590.

gnomAD v4.1: 30 of 1,209,658 alleles (0.0025%); highest among the groups gnomAD compares: Non-Finnish European, 0.0034%; no homozygotes.

Submissions (4):

CeGaT Center for Human Genetics Tuebingen
Classification: Likely benign. Last evaluated: 2026-09-01. Review status: criteria provided, single submitter. Criteria: CeGaT Center For Human Genetics Tuebingen Variant Classification Criteria Version 2. Collection method: clinical testing. Allele origin: germline. Affected: yes. Observed: 2 variant alleles.
Comment: SMC1A: BP4, BP7, BS2

Labcorp Genetics (formerly Invitae), Labcorp
Classification: Likely benign for Congenital muscular hypertrophy-cerebral syndrome. Last evaluated: 2022-11-29. Review status: criteria provided, single submitter. Criteria: Invitae Variant Classification Sherloc (09022015). Collection method: clinical testing. Allele origin: germline.

Illumina Laboratory Services, Illumina
Classification: Uncertain significance for Congenital muscular hypertrophy-cerebral syndrome. Last evaluated: 2018-01-13. Review status: criteria provided, single submitter. Criteria: ICSL Variant Classification Criteria 13 December 2019. Collection method: clinical testing. Allele origin: germline.

Ambry Genetics
Classification: Likely benign for Inborn genetic diseases. Last evaluated: 2017-12-28. Review status: criteria provided, single submitter. Criteria: Ambry Variant Classification Scheme 2023. Collection method: clinical testing. Allele origin: germline.